The following is an entry in ClinVar:

ClinVar aggregate classification (germline): Likely benign. Review status: criteria provided, multiple submitters, no conflicts (2 of 4 stars). 4 submissions from 4 submitters: Likely benign (4). Last evaluated 2025-03-23.

Conditions:
Hypertrophic cardiomyopathy. Also called: HYPERTROPHIC MYOCARDIOPATHY. Identifiers: Orphanet 217569, MedGen C0007194, MeSH D002312, MONDO:0005045, HP:0001639.
Cardiovascular phenotype. Identifiers: MedGen CN230736.
Cardiomyopathy (CMYO). Also called: Cardiomyopathies. Identifiers: Orphanet 167848, MedGen C0878544, MONDO:0004994, HP:0001638. Inheritance: Various modes of inheritance.

Allele frequency attached by ClinVar (database versions not stated): TOPMed 0.00004.
gnomAD v4.1: 12 of 1,613,934 alleles (0.00074%); highest among the groups gnomAD compares: African/African-American, 0.0027%; no homozygotes.

Submissions (4):

Labcorp Genetics (formerly Invitae), Labcorp
Classification: Likely benign for Hypertrophic cardiomyopathy. Last evaluated: 2025-03-23. Review status: criteria provided, single submitter. Criteria: Invitae Variant Classification Sherloc (09022015). Collection method: clinical testing. Allele origin: germline.

All of Us Research Program, National Institutes of Health
Classification: Likely benign for Cardiomyopathy. Last evaluated: 2023-12-14. Review status: criteria provided, single submitter. Criteria: ACMG Guidelines, 2015. Collection method: clinical testing. Allele origin: germline. Inheritance: Autosomal dominant inheritance. Observed: 8 variant alleles, 8 heterozygotes.
Comment: This study involves interpretation of variants in research participants for the purpose of population health screening. Participant phenotype was not available at the time of variant classification. Additional details can be found in publication PMID: 35346344, PMCID: PMC8962531

Ambry Genetics
Classification: Likely benign for Cardiovascular phenotype. Last evaluated: 2022-12-11. Review status: criteria provided, single submitter. Criteria: Ambry Variant Classification Scheme 2023. Collection method: clinical testing. Allele origin: germline.

Color Diagnostics, LLC DBA Color Health
Classification: Likely benign for Cardiomyopathy. Last evaluated: 2019-06-01. Review status: criteria provided, single submitter. Criteria: ACMG Guidelines, 2015. Collection method: clinical testing. Allele origin: germline.

NM_000257.4(MYH7):c.5130T>C (p.Ser1710=)

Genes: MHRT (myosin heavy chain associated RNA transcript; plus strand), MYH7 (myosin heavy chain 7; minus strand), LOC126861897 (BRD4-independent group 4 enhancer GRCh37_chr14:23884455-23885654; plus strand). Cytogenetic location: 14q11.2.
Variant type: single nucleotide variant.
Coding change: c.5130T>C on transcript NM_000257.4 (MANE Select); coding-DNA position 5130, T replaced by C.
Protein change: p.Ser1710=; no amino-acid change (serine 1710 retained).
Molecular consequence: synonymous variant. On other transcripts: non-coding transcript variant (1).
Genome position (GRCh38, 1-based): chr14:23,415,656, A>G on the plus strand (T>C on the coding strand, the complement: MYH7 is on the minus strand). VCF-style: chr14-23415656-A-G. GRCh37 (hg19) VCF-style: chr14-23884865-A-G.
Identifiers: ClinVar variation 706419 (VCV000706419.16), dbSNP rs771954434, ClinGen allele CA045379.